The following is an entry in ClinVar:

ClinVar aggregate classification (germline): Uncertain significance (1 of 4 stars; one submission).

Submission:

Labcorp Genetics (formerly Invitae), Labcorp
Classification: Uncertain significance. Last evaluated: 2026-01-21. Review status: criteria provided, single submitter. Criteria: Invitae Variant Classification Sherloc (09022015). Collection method: clinical testing. Allele origin: germline.
Comment: This sequence change replaces glutamic acid, which is acidic and polar, with lysine, which is basic and polar, at codon 1698 of the POLE protein (p.Glu1698Lys). This variant is not present in population databases (gnomAD no frequency). This variant has not been reported in the literature in individuals affected with POLE-related conditions. Invitae Evidence Modeling of protein sequence and biophysical properties (such as structural, functional, and spatial information, amino acid conservation, physicochemical variation, residue mobility, and thermodynamic stability) indicates that this missense variant is expected to disrupt POLE protein function with a positive predictive value of 80%. In summary, the available evidence is currently insufficient to determine the role of this variant in disease. Therefore, it has been classified as a Variant of Uncertain Significance.

NM_006231.4(POLE):c.5092G>A (p.Glu1698Lys)

Gene: POLE (DNA polymerase epsilon, catalytic subunit; minus strand). Cytogenetic location: 12q24.33.
Variant type: single nucleotide variant.
Coding change: c.5092G>A on transcript NM_006231.4 (MANE Select); coding-DNA position 5092, G replaced by A.
Protein change: p.Glu1698Lys; replaces glutamic acid 1698 with lysine.
Molecular consequence: missense variant.
Genome position (GRCh38, 1-based): chr12:132,642,258, C>T on the plus strand (G>A on the coding strand, the complement: POLE is on the minus strand). VCF-style: chr12-132642258-C-T. GRCh37 (hg19) VCF-style: chr12-133218844-C-T.
Other names: short protein forms E1698K.
Identifiers: ClinVar variation 4745595 (VCV004745595.1).